The following is an entry in ClinVar:

NM_006618.5(KDM5B):c.1514G>A (p.Ser505Asn)

Gene: KDM5B (lysine demethylase 5B; minus strand). Cytogenetic location: 1q32.1.
Variant type: single nucleotide variant.
Coding change: c.1514G>A on transcript NM_006618.5 (MANE Select); coding-DNA position 1514, G replaced by A.
Protein change: p.Ser505Asn; replaces serine 505 with asparagine.
Molecular consequence: missense variant.
Genome position (GRCh38, 1-based): chr1:202,755,295, C>T on the plus strand (G>A on the coding strand, the complement: KDM5B is on the minus strand). VCF-style: chr1-202755295-C-T. GRCh37 (hg19) VCF-style: chr1-202724423-C-T.
Other names: c.1622G>A, p.Ser541Asn (NM_001314042.2); c.1379G>A, p.Ser460Asn (NM_001347591.2); c.1499G>A, p.Ser500Asn (NM_001399817.1); short protein forms S460N, S500N, S505N, S541N.
Identifiers: ClinVar variation 3376927 (VCV003376927.1).

ClinVar aggregate classification (germline): Likely pathogenic (1 of 4 stars; one submission).

Conditions:
Neurodevelopmental disorder. Identifiers: MedGen C1535926, MeSH D065886, MONDO:0700092.

Submission:

Victorian Clinical Genetics Services, Murdoch Childrens Research Institute
Classification: Likely pathogenic for Neurodevelopmental disorder. Last evaluated: 2024-09-20. Review status: criteria provided, single submitter. Criteria: ACMG Guidelines, 2015. Collection method: clinical testing. Allele origin: germline. Inheritance: Autosomal dominant inheritance. Affected: yes.
Comment: Based on the classification scheme VCGS_Germline_v1.3.4, this variant is classified as Likely Pathogenic. Following criteria are met: 0102 - Loss of function is a known mechanism of disease in this gene and is associated with autosomal recessive intellectual disability 65 (MIM#618109) and autosomal dominant neurodevelopmental disorder (MONDO:0700092), KDM5B-related. (I) 0108 - This gene is associated with both recessive and dominant disease. Biallelic pathogenic variants are associated with a more severe, syndromic intellectual disability (PMID: 29276005; DECIPHER). Individuals with heterozygous variants have also been reported, with developmental delay, intellectual disability and/or autistic features (PMID: 29276005, 30217758, 30409806). (I) 0112 - The condition associated with this gene has incomplete penetrance. While the recessive condition is fully penetrant, incomplete penetrance has been suggested for the autosomal dominant condition, where unaffected carriers of loss of function variants have been reported (PMID: 30217758, 30409806). (I) 0200 - Variant is predicted to result in a missense amino acid change from serine to asparagine. (I) 0251 - This variant is heterozygous. (I) 0301 - Variant is absent from gnomAD (both v2 and v3). (SP) 0502 - Missense variant with conflicting in silico predictions and uninformative conservation. (I) 0600 - Variant is located in the annotated hydroxylase JmjC domain (DECIPHER). (I) 0705 - No comparable missense variants have previous evidence for pathogenicity. (I) 0807 - This variant has no previous evidence of pathogenicity. (I) 0905 - No published segregation evidence has been identified for this variant. (I) 1007 - No published functional evidence has been identified for this variant. (SP) Legend: (SP) - Supporting pathogenic, (I) - Information, (SB) - Supporting benign

Literature cited by the submitters: PubMed 29276005; PubMed 30217758; PubMed 30409806.